The following is an entry in ClinVar:

ClinVar aggregate classification (germline): Uncertain significance (1 of 4 stars; one submission).

Submission:

Labcorp Genetics (formerly Invitae), Labcorp
Classification: Uncertain significance. Last evaluated: 2023-02-09. Review status: criteria provided, single submitter. Criteria: Invitae Variant Classification Sherloc (09022015). Collection method: clinical testing. Allele origin: germline.
Comment: This sequence change replaces leucine, which is neutral and non-polar, with phenylalanine, which is neutral and non-polar, at codon 181 of the TNFRSF6B protein (p.Leu181Phe). Algorithms developed to predict the effect of missense changes on protein structure and function output the following: SIFT: "Tolerated"; PolyPhen-2: "Benign"; Align-GVGD: "Class C0". The phenylalanine amino acid residue is found in multiple mammalian species, which suggests that this missense change does not adversely affect protein function. This variant has not been reported in the literature in individuals affected with TNFRSF6B-related conditions. This variant is not present in population databases (gnomAD no frequency). In summary, the available evidence is currently insufficient to determine the role of this variant in disease. Therefore, it has been classified as a Variant of Uncertain Significance.

NM_003823.4(TNFRSF6B):c.541C>T (p.Leu181Phe)

Genes: RTEL1-TNFRSF6B (RTEL1-TNFRSF6B readthrough (NMD candidate); plus strand), TNFRSF6B (TNF receptor superfamily member 6b; plus strand). Cytogenetic location: 20q13.33.
Variant type: single nucleotide variant.
Coding change: c.541C>T on transcript NM_003823.4 (MANE Select); coding-DNA position 541, C replaced by T.
Protein change: p.Leu181Phe; replaces leucine 181 with phenylalanine.
Molecular consequence: missense variant. On other transcripts: non-coding transcript variant (1).
Genome position (GRCh38, 1-based): chr20:63,697,444, C>T. VCF-style: chr20-63697444-C-T. GRCh37 (hg19) VCF-style: chr20-62328797-C-T.
Other names: short protein forms L181F.
Identifiers: ClinVar variation 2835772 (VCV002835772.3), dbSNP rs369814092, ClinGen allele CA409711666.